The following is an entry in ClinVar:

ClinVar aggregate classification (germline): Uncertain significance (1 of 4 stars; one submission).

Submission:

GeneDx
Classification: Uncertain significance. Last evaluated: 2019-10-15. Review status: criteria provided, single submitter. Criteria: GeneDx Variant Classification Process June 2021. Collection method: clinical testing. Allele origin: germline. Affected: yes.
Comment: Not observed in large population cohorts (Lek et al., 2016); In silico analysis, which includes protein predictors and evolutionary conservation, supports a deleterious effect; Has not been previously published as pathogenic or benign to our knowledge

NM_138615.3(DHX30):c.854C>A (p.Pro285His)

Gene: DHX30 (DExH-box helicase 30; plus strand). Cytogenetic location: 3p21.31.
Variant type: single nucleotide variant.
Coding change: c.854C>A on transcript NM_138615.3 (MANE Select); coding-DNA position 854, C replaced by A.
Protein change: p.Pro285His; replaces proline 285 with histidine.
Molecular consequence: missense variant.
Genome position (GRCh38, 1-based): chr3:47,843,170, C>A. VCF-style: chr3-47843170-C-A. GRCh37 (hg19) VCF-style: chr3-47884660-C-A.
Other names: c.770C>A, p.Pro257His (NM_001330990.2); c.737C>A, p.Pro246His (NM_014966.4); short protein forms P246H, P257H, P285H.
Identifiers: ClinVar variation 1309241 (VCV001309241.2), dbSNP rs2107119450, ClinGen allele CA352585084.